The following is an entry in ClinVar:

ClinVar aggregate classification (germline): Uncertain significance (1 of 4 stars; one submission).

Conditions:
Charcot-Marie-Tooth disease axonal type 2S. Also called: CHARCOT-MARIE-TOOTH NEUROPATHY, TYPE 2S; CHARCOT-MARIE-TOOTH DISEASE, AXONAL, AUTOSOMAL RECESSIVE, TYPE 2S. Identifiers: Orphanet 443073, MedGen C4015349, MONDO:0014511, OMIM 616155.
Autosomal recessive distal spinal muscular atrophy 1. Also called: NEURONOPATHY, DISTAL HEREDITARY MOTOR, HARDING TYPE VI; NEUROPATHY, DISTAL HEREDITARY MOTOR, AUTOSOMAL RECESSIVE 1; HMN VI; NEURONOPATHY, SEVERE INFANTILE AXONAL, WITH RESPIRATORY FAILURE; SEVERE INFANTILE AXONAL NEUROPATHY WITH RESPIRATORY FAILURE; SPINAL MUSCULAR ATROPHY, DIAPHRAGMATIC. Identifiers: Orphanet 98920, MedGen C1858517, MONDO:0011436, OMIM 604320.

Allele frequency attached by ClinVar (database versions not stated): gnomAD exomes below 0.00001.
gnomAD v4.1: 2 of 1,612,278 alleles (0.00012%); highest among the groups gnomAD compares: Non-Finnish European, 0.00017%; no homozygotes.

Submission:

Labcorp Genetics (formerly Invitae), Labcorp
Classification: Uncertain significance for Autosomal recessive distal spinal muscular atrophy 1; Charcot-Marie-Tooth disease axonal type 2S. Last evaluated: 2019-09-18. Review status: criteria provided, single submitter. Criteria: Invitae Variant Classification Sherloc (09022015). Collection method: clinical testing. Allele origin: germline.
Comment: In summary, the available evidence is currently insufficient to determine the role of this variant in disease. Therefore, it has been classified as a Variant of Uncertain Significance. Algorithms developed to predict the effect of missense changes on protein structure and function are either unavailable or do not agree on the potential impact of this missense change (SIFT: "Deleterious"; PolyPhen-2: "Probably Damaging"; Align-GVGD: "Class C0"). This variant has not been reported in the literature in individuals with IGHMBP2-related conditions. ClinVar contains an entry for this variant (Variation ID: 466580). This variant is not present in population databases (ExAC no frequency). This sequence change replaces histidine with arginine at codon 521 of the IGHMBP2 protein (p.His521Arg). The histidine residue is highly conserved and there is a small physicochemical difference between histidine and arginine.

NM_002180.3(IGHMBP2):c.1562A>G (p.His521Arg)

Genes: IGHMBP2 (immunoglobulin mu DNA binding protein 2; plus strand), LOC126861245 (CDK7 strongly-dependent group 2 enhancer GRCh37_chr11:68701479-68702678; plus strand). Cytogenetic location: 11q13.3.
Variant type: single nucleotide variant.
Coding change: c.1562A>G on transcript NM_002180.3 (MANE Select); coding-DNA position 1562, A replaced by G.
Protein change: p.His521Arg; replaces histidine 521 with arginine.
Molecular consequence: missense variant.
Genome position (GRCh38, 1-based): chr11:68,934,488, A>G. VCF-style: chr11-68934488-A-G. GRCh37 (hg19) VCF-style: chr11-68701956-A-G.
Other names: short protein forms H521R.
Identifiers: ClinVar variation 466580 (VCV000466580.9), dbSNP rs1555247556, ClinGen allele CA381650792.